The following is an entry in ClinVar:

ClinVar aggregate classification (germline): Uncertain significance (1 of 4 stars; one submission).

Allele frequency attached by ClinVar (database versions not stated): gnomAD 0.00001; gnomAD exomes 0.00001; TOPMed 0.00001.
gnomAD v4.1: 11 of 1,563,432 alleles (0.0007%); highest among the groups gnomAD compares: African/African-American, 0.0014%; no homozygotes.

Submission:

Labcorp Genetics (formerly Invitae), Labcorp
Classification: Uncertain significance. Last evaluated: 2026-01-04. Review status: criteria provided, single submitter. Criteria: Invitae Variant Classification Sherloc (09022015). Collection method: clinical testing. Allele origin: germline.
Comment: This sequence change replaces glycine, which is neutral and non-polar, with arginine, which is basic and polar, at codon 699 of the MYLK3 protein (p.Gly699Arg). This variant is present in population databases (no rsID available, gnomAD 0.008%). This variant has not been reported in the literature in individuals affected with MYLK3-related conditions. ClinVar contains an entry for this variant (Variation ID: 1511734). An algorithm developed to predict the effect of missense changes on protein structure and function (PolyPhen-2) suggests that this variant is likely to be disruptive. In summary, the available evidence is currently insufficient to determine the role of this variant in disease. Therefore, it has been classified as a Variant of Uncertain Significance.

NM_182493.3(MYLK3):c.2095G>C (p.Gly699Arg)

Gene: MYLK3 (myosin light chain kinase 3; minus strand). Cytogenetic location: 16q11.2.
Variant type: single nucleotide variant.
Coding change: c.2095G>C on transcript NM_182493.3 (MANE Select); coding-DNA position 2095, G replaced by C.
Protein change: p.Gly699Arg; replaces glycine 699 with arginine.
Molecular consequence: missense variant.
Genome position (GRCh38, 1-based): chr16:46,712,667, C>G on the plus strand (G>C on the coding strand, the complement: MYLK3 is on the minus strand). VCF-style: chr16-46712667-C-G. GRCh37 (hg19) VCF-style: chr16-46746579-C-G.
Other names: c.1072G>C, p.Gly358Arg (NM_001308301.1); short protein forms G358R, G699R.
Identifiers: ClinVar variation 1511734 (VCV001511734.6), dbSNP rs1263790395, ClinGen allele CA395787772.